The following is an entry in ClinVar:

ClinVar aggregate classification (germline): Uncertain significance (1 of 4 stars; one submission).

Conditions:
Inborn genetic diseases. Identifiers: MedGen C0950123, MeSH D030342.

Allele frequency attached by ClinVar (database versions not stated): TOPMed below 0.00001.

Submission:

Ambry Genetics
Classification: Uncertain significance for Inborn genetic diseases. Last evaluated: 2023-10-16. Review status: criteria provided, single submitter. Criteria: Ambry Variant Classification Scheme 2023. Collection method: clinical testing. Allele origin: germline.
Comment: The c.4087A>G (p.N1363D) alteration is located in exon 1 (coding exon 1) of the TCF20 gene. This alteration results from an A to G substitution at nucleotide position 4087, causing the asparagine (N) at amino acid position 1363 to be replaced by an aspartic acid (D). This variant was not reported in population-based cohorts in the Genome Aggregation Database (gnomAD). This amino acid position is highly conserved in available vertebrate species. This alteration is predicted to be tolerated by in silico analysis. Based on insufficient or conflicting evidence, the clinical significance of this alteration remains unclear.

NM_001378418.1(TCF20):c.4087A>G (p.Asn1363Asp)

Gene: TCF20 (transcription factor 20; minus strand). Cytogenetic location: 22q13.2.
Variant type: single nucleotide variant.
Coding change: c.4087A>G on transcript NM_001378418.1 (MANE Select); coding-DNA position 4087, A replaced by G.
Protein change: p.Asn1363Asp; replaces asparagine 1363 with aspartic acid.
Molecular consequence: missense variant.
Genome position (GRCh38, 1-based): chr22:42,211,219, T>C on the plus strand (A>G on the coding strand, the complement: TCF20 is on the minus strand). VCF-style: chr22-42211219-T-C. GRCh37 (hg19) VCF-style: chr22-42607225-T-C.
Other names: c.4087A>G, p.Asn1363Asp (NM_005650.4, NM_181492.3); short protein forms N1363D.
Identifiers: ClinVar variation 3175118 (VCV003175118.1), dbSNP rs1481673758, ClinGen allele CA411785072.